The following is an entry in ClinVar:

ClinVar aggregate classification (germline): Uncertain significance (1 of 4 stars; one submission).

Conditions:
Developmental and epileptic encephalopathy, 9 (DEE9). Also called: Early infantile epileptic encephalopathy 9; EPILEPSY, FEMALE-RESTRICTED, WITH MENTAL RETARDATION; JUBERG-HELLMAN SYNDROME; PCDH19-Related X-Linked Female-Limited Epilepsy with Mental Retardation. Identifiers: Orphanet 101039, Orphanet 2076, MedGen C1848137, MONDO:0010246, OMIM 300088. Disease mechanism: loss of function.

Submission:

Labcorp Genetics (formerly Invitae), Labcorp
Classification: Uncertain significance for Developmental and epileptic encephalopathy, 9. Last evaluated: 2019-10-15. Review status: criteria provided, single submitter. Criteria: Invitae Variant Classification Sherloc (09022015). Collection method: clinical testing. Allele origin: germline.
Comment: This sequence change replaces glutamine with arginine at codon 85 of the PCDH19 protein (p.Gln85Arg). The glutamine residue is moderately conserved and there is a small physicochemical difference between glutamine and arginine. This variant is not present in population databases (ExAC no frequency). This variant has not been reported in the literature in individuals with PCDH19-related conditions. Algorithms developed to predict the effect of missense changes on protein structure and function are either unavailable or do not agree on the potential impact of this missense change (SIFT: "Tolerated"; PolyPhen-2: "Probably Damaging"; Align-GVGD: "Class C0"). In summary, the available evidence is currently insufficient to determine the role of this variant in disease. Therefore, it has been classified as a Variant of Uncertain Significance.

NM_001184880.2(PCDH19):c.254A>G (p.Gln85Arg)

Gene: PCDH19 (protocadherin 19; minus strand). Cytogenetic location: Xq22.1.
Variant type: single nucleotide variant.
Coding change: c.254A>G on transcript NM_001184880.2 (MANE Select); coding-DNA position 254, A replaced by G.
Protein change: p.Gln85Arg; replaces glutamine 85 with arginine.
Molecular consequence: missense variant.
Genome position (GRCh38, 1-based): chrX:100,408,344, T>C on the plus strand (A>G on the coding strand, the complement: PCDH19 is on the minus strand). VCF-style: chrX-100408344-T-C. GRCh37 (hg19) VCF-style: chrX-99663342-T-C.
Other names: c.254A>G, p.Gln85Arg (NM_001105243.2, NM_020766.3); short protein forms Q85R.
Identifiers: ClinVar variation 955065 (VCV000955065.10), dbSNP rs1928470713, ClinGen allele CA414011014.
Genomic context (GRCh38, chrX:100,408,344, plus strand): 5'-ACCTCGAGCGAGATGATGCACTTGGGGCTCTGGCGGCACAGCAGATCACGGTCAATCTTC[T>C]GCTTGGTGACCAGCAGGCCAGAGCTGGGATTGATGTCCACTAGGTGTGGAGCCGAGTTGG-3'
Protein context (NP_001171809.1, residues 75-95): NPSSGLLVTK[Gln85Arg]KIDRDLLCRQ